The following is an entry in ClinVar:

ClinVar aggregate classification (germline): Uncertain significance (1 of 4 stars; one submission).

Conditions:
Long QT syndrome (LQTS). Identifiers: MedGen C0023976, MeSH D008133, MONDO:0002442. Disease mechanism: loss of function. Inheritance: Various modes of inheritance.

Submission:

Labcorp Genetics (formerly Invitae), Labcorp
Classification: Uncertain significance for Long QT syndrome. Last evaluated: 2021-12-01. Review status: criteria provided, single submitter. Criteria: Invitae Variant Classification Sherloc (09022015). Collection method: clinical testing. Allele origin: germline.
Comment: This variant is not present in population databases (gnomAD no frequency). This variant has not been reported in the literature in individuals affected with AKAP9-related conditions. Algorithms developed to predict the effect of missense changes on protein structure and function (SIFT, PolyPhen-2, Align-GVGD) all suggest that this variant is likely to be tolerated. In summary, the available evidence is currently insufficient to determine the role of this variant in disease. Therefore, it has been classified as a Variant of Uncertain Significance. This sequence change replaces isoleucine, which is neutral and non-polar, with threonine, which is neutral and polar, at codon 3620 of the AKAP9 protein (p.Ile3620Thr).

NM_005751.5(AKAP9):c.10859T>C (p.Ile3620Thr)

Gene: AKAP9 (A-kinase anchoring protein 9; plus strand). Cytogenetic location: 7q21.2.
Variant type: single nucleotide variant.
Coding change: c.10859T>C on transcript NM_005751.5 (MANE Select); coding-DNA position 10859, T replaced by C.
Protein change: p.Ile3620Thr; replaces isoleucine 3620 with threonine.
Molecular consequence: missense variant.
Genome position (GRCh38, 1-based): chr7:92,099,832, T>C. VCF-style: chr7-92099832-T-C. GRCh37 (hg19) VCF-style: chr7-91729146-T-C.
Other names: c.5504T>C, p.Ile1835Thr (NM_001379277.1); c.10835T>C, p.Ile3612Thr (NM_147185.3); short protein forms I1835T, I3612T, I3620T.
Identifiers: ClinVar variation 1395992 (VCV001395992.6), dbSNP rs2130907392, ClinGen allele CA368158939.